The following is an entry in ClinVar:

ClinVar aggregate classification (germline): Uncertain significance (1 of 4 stars; one submission).

Conditions:
Hereditary cancer-predisposing syndrome. Also called: Tumor predisposition; Hereditary neoplastic syndrome; Neoplastic Syndromes, Hereditary; Hereditary Cancer Syndrome. Identifiers: Orphanet 140162, MedGen C0027672, MeSH D009386, MONDO:0015356.

Submission:

Labcorp Genetics (formerly Invitae), Labcorp
Classification: Uncertain significance for Hereditary cancer-predisposing syndrome. Last evaluated: 2025-11-10. Review status: criteria provided, single submitter. Criteria: Invitae Variant Classification Sherloc (09022015). Collection method: clinical testing. Allele origin: germline.
Comment: This sequence change falls in intron 8 of the RAD50 gene. It does not directly change the encoded amino acid sequence of the RAD50 protein. It affects a nucleotide within the consensus splice site. This variant is not present in population databases (gnomAD no frequency). This variant has not been reported in the literature in individuals affected with RAD50-related conditions. ClinVar contains an entry for this variant (Variation ID: 857303). Variants that disrupt the consensus splice site are a relatively common cause of aberrant splicing (PMID: 17576681, 9536098). Algorithms developed to predict the effect of sequence changes on RNA splicing suggest that this variant may disrupt the consensus splice site. In summary, the available evidence is currently insufficient to determine the role of this variant in disease. Therefore, it has been classified as a Variant of Uncertain Significance.

Literature cited by the submitters: PubMed 17576681; PubMed 9536098.

NM_005732.4(RAD50):c.1245+6T>C

Gene: RAD50 (RAD50 double strand break repair protein; plus strand). Cytogenetic location: 5q31.1.
Variant type: single nucleotide variant.
Coding change: c.1245+6T>C on transcript NM_005732.4 (MANE Select); 6 bases into the intron after coding-DNA position 1245, T replaced by C.
Molecular consequence: intron variant.
Genome position (GRCh38, 1-based): chr5:132,588,886, T>C. VCF-style: chr5-132588886-T-C. GRCh37 (hg19) VCF-style: chr5-131924578-T-C.
Identifiers: ClinVar variation 857303 (VCV000857303.8), dbSNP rs1035635845, ClinGen allele CA127244064.